The following is an entry in ClinVar:

ClinVar aggregate classification (germline): Uncertain significance. Review status: criteria provided, multiple submitters, no conflicts (2 of 4 stars). 2 submissions from 2 submitters: Uncertain significance (2). Last evaluated 2025-04-16.

Conditions:
Inborn genetic diseases. Identifiers: MedGen C0950123, MeSH D030342.

gnomAD v4.1: 104 of 1,613,002 alleles (0.0064%); highest among the groups gnomAD compares: Non-Finnish European, 0.0085%; no homozygotes.

Submissions (2):

GeneDx
Classification: Uncertain significance. Last evaluated: 2025-04-16. Review status: criteria provided, single submitter. Criteria: GeneDx Variant Classification Process June 2021. Collection method: clinical testing. Allele origin: germline. Affected: yes.
Comment: Not observed at significant frequency in large population cohorts (gnomAD); In silico analysis indicates that this missense variant does not alter protein structure/function; Has not been previously published as pathogenic or benign to our knowledge

Ambry Genetics
Classification: Uncertain significance for Inborn genetic diseases. Last evaluated: 2024-10-20. Review status: criteria provided, single submitter. Criteria: Ambry Variant Classification Scheme 2023. Collection method: clinical testing. Allele origin: germline.

NM_013296.5(GPSM2):c.294G>T (p.Gln98His)

Gene: GPSM2 (G protein signaling modulator 2; plus strand). Cytogenetic location: 1p13.3.
Variant type: single nucleotide variant.
Coding change: c.294G>T on transcript NM_013296.5 (MANE Select); coding-DNA position 294, G replaced by T.
Protein change: p.Gln98His; replaces glutamine 98 with histidine.
Molecular consequence: missense variant.
Genome position (GRCh38, 1-based): chr1:108,897,507, G>T. VCF-style: chr1-108897507-G-T. GRCh37 (hg19) VCF-style: chr1-109440129-G-T.
Other names: c.294G>T, p.Gln98His (NM_001321038.2, NM_001321039.3); short protein forms Q98H.
Identifiers: ClinVar variation 3522332 (VCV003522332.2).